The following is an entry in ClinVar:

ClinVar aggregate classification (germline): Pathogenic (1 of 4 stars; one submission).

Conditions:
Autosomal recessive nonsyndromic hearing loss 12. Also called: DEAFNESS, AUTOSOMAL RECESSIVE 12. Identifiers: Orphanet 90636, MedGen C1832394, MONDO:0011067, OMIM 601386.

Submission:

Institute of Rare Diseases, West China Hospital, Sichuan University
Classification: Pathogenic for Autosomal recessive nonsyndromic hearing loss 12. Last evaluated: 2025-01-09. Review status: criteria provided, single submitter. Criteria: ClinGen HL ACMG Specifications v1. Collection method: research. Allele origin: germline. Affected: yes.
Comment: PVS1;PM3;PM2_Supporting

NM_022124.6(CDH23):c.8388dup (p.Ala2797fs)

Gene: CDH23 (cadherin related 23; plus strand). Cytogenetic location: 10q22.1.
Variant type: Duplication.
Coding change: c.8388dup on transcript NM_022124.6 (MANE Select); coding-DNA position 8388, one base duplicated (A; older notation c.8388dupA).
Protein change: p.Ala2797fs; shifts the reading frame from alanine 2797.
Molecular consequence: frameshift variant.
Genome position (GRCh38, 1-based): chr10:71,807,595, A duplicated; the last of 2 consecutive A bases (chr10:71,807,594-71,807,595); duplicating either gives the same sequence. VCF-style (leftmost placement, unchanged base first): chr10-71807593-G-GA. GRCh37 (hg19) VCF-style: chr10-73567350-G-GA.
Other names: c.1668dup, p.Ala557fs (NM_001171933.1, NM_001171934.1); short protein forms A2797fs, A557fs.
Identifiers: ClinVar variation 3601690 (VCV003601690.1).
Genomic context (GRCh38, chr10:71,807,593, plus strand): 5'-AACTTCCATCTGCAGCCCGATGGGTGTCTGCTGGTGCTGCGGGACCTGGACCGGGAGCGA[G>GA]AAGCCATCTTCTCCTTCATCGTCAAGGCCTCCAGCAATCGCAGCTGGACACCTCCCCGTG-3'